The following is an entry in ClinVar:

NM_018979.4(WNK1):c.4931C>T (p.Pro1644Leu)

Gene: WNK1 (WNK lysine deficient protein kinase 1; plus strand). Cytogenetic location: 12p13.33.
Variant type: single nucleotide variant.
Coding change: c.4931C>T on transcript NM_018979.4 (MANE Select); coding-DNA position 4931, C replaced by T.
Protein change: p.Pro1644Leu; replaces proline 1644 with leucine.
Molecular consequence: missense variant.
Genome position (GRCh38, 1-based): chr12:885,735, C>T. VCF-style: chr12-885735-C-T. GRCh37 (hg19) VCF-style: chr12-994901-C-T.
Other names: c.5711C>T, p.Pro1904Leu (NM_001184985.2); c.4190C>T, p.Pro1397Leu (NM_014823.3); c.5687C>T, p.Pro1896Leu (NM_213655.5); short protein forms P1397L, P1896L, P1644L, P1904L.
Identifiers: ClinVar variation 956424 (VCV000956424.11), dbSNP rs546470175, ClinGen allele CA6383048.

ClinVar aggregate classification (germline): Uncertain significance. Review status: criteria provided, multiple submitters, no conflicts (2 of 4 stars). 2 submissions from 2 submitters: Uncertain significance (2). Last evaluated 2024-01-22.

Conditions:
Neuropathy, hereditary sensory and autonomic, type 2A (HSAN2A). Also called: ACROOSTEOLYSIS, GIACCAI TYPE; ACROOSTEOLYSIS, NEUROGENIC; WNK1-Related HSAN2 (HSAN2A); HSAN IIA; MORVAN DISEASE; NEUROPATHY, CONGENITAL SENSORY. Identifiers: Orphanet 970, MedGen C2752089, MONDO:0024309, OMIM 201300.
Pseudohypoaldosteronism type 2C (PHA2C). Also called: Pseudohypoaldosteronism Type IIC. Identifiers: Orphanet 757, Orphanet 88940, MedGen C1840391, MONDO:0013778, OMIM 614492.

Allele frequency attached by ClinVar (database versions not stated): TOPMed below 0.00001; gnomAD 0.00001; gnomAD exomes 0.00001 and 0.00002; ExAC 0.00002; 1000 Genomes Project 30x 0.00016; 1000 Genomes Project 0.00020.
gnomAD v4.1: 11 of 1,614,154 alleles (0.00068%); highest among the groups gnomAD compares: East Asian, 0.013%; no homozygotes.

Submissions (2):

Fulgent Genetics
Classification: Uncertain significance for Neuropathy, hereditary sensory and autonomic, type 2A; Pseudohypoaldosteronism type 2C. Last evaluated: 2024-01-22. Review status: criteria provided, single submitter. Criteria: ACMG Guidelines, 2015. Collection method: clinical testing. Allele origin: germline.

Labcorp Genetics (formerly Invitae), Labcorp
Classification: Uncertain significance for Neuropathy, hereditary sensory and autonomic, type 2A; Pseudohypoaldosteronism type 2C. Last evaluated: 2022-03-02. Review status: criteria provided, single submitter. Criteria: Invitae Variant Classification Sherloc (09022015). Collection method: clinical testing. Allele origin: germline.
Comment: ClinVar contains an entry for this variant (Variation ID: 956424). In summary, the available evidence is currently insufficient to determine the role of this variant in disease. Therefore, it has been classified as a Variant of Uncertain Significance. Advanced modeling of protein sequence and biophysical properties (such as structural, functional, and spatial information, amino acid conservation, physicochemical variation, residue mobility, and thermodynamic stability) performed at Invitae indicates that this missense variant is not expected to disrupt WNK1 protein function. This variant has not been reported in the literature in individuals affected with WNK1-related conditions. This variant is present in population databases (rs546470175, gnomAD 0.03%). This sequence change replaces proline, which is neutral and non-polar, with leucine, which is neutral and non-polar, at codon 1896 of the WNK1 protein (p.Pro1896Leu).